The following is an entry in ClinVar:

NM_139318.5(KCNH5):c.215T>C (p.Leu72Ser)

Gene: KCNH5 (potassium voltage-gated channel subfamily H member 5; minus strand). Cytogenetic location: 14q23.2.
Variant type: single nucleotide variant.
Coding change: c.215T>C on transcript NM_139318.5 (MANE Select); coding-DNA position 215, T replaced by C.
Protein change: p.Leu72Ser; replaces leucine 72 with serine.
Molecular consequence: missense variant.
Genome position (GRCh38, 1-based): chr14:63,006,455, A>G on the plus strand (T>C on the coding strand, the complement: KCNH5 is on the minus strand). VCF-style: chr14-63006455-A-G. GRCh37 (hg19) VCF-style: chr14-63473173-A-G.
Other names: c.215T>C, p.Leu72Ser (NM_172375.3); short protein forms L72S.
Identifiers: ClinVar variation 3730139 (VCV003730139.2).

ClinVar aggregate classification (germline): Uncertain significance (1 of 4 stars; one submission).

Conditions:
Early-infantile DEE. Also called: Early infantile epileptic encephalopathy; Ohtahara syndrome; Early infantile epileptic encephalopathy with suppression bursts. Identifiers: Orphanet 1934, MedGen C0393706, MONDO:0800491.

gnomAD v4.1: 42 of 1,608,788 alleles (0.0026%); highest among the groups gnomAD compares: Non-Finnish European, 0.0035%; no homozygotes.

Submission:

Labcorp Genetics (formerly Invitae), Labcorp
Classification: Uncertain significance for Early-infantile DEE. Last evaluated: 2024-04-09. Review status: criteria provided, single submitter. Criteria: Invitae Variant Classification Sherloc (09022015). Collection method: clinical testing. Allele origin: germline.
Comment: This sequence change replaces leucine, which is neutral and non-polar, with serine, which is neutral and polar, at codon 72 of the KCNH5 protein (p.Leu72Ser). This variant is present in population databases (no rsID available, gnomAD 0.0009%). This variant has not been reported in the literature in individuals affected with KCNH5-related conditions. Advanced modeling of protein sequence and biophysical properties (such as structural, functional, and spatial information, amino acid conservation, physicochemical variation, residue mobility, and thermodynamic stability) performed at Invitae indicates that this missense variant is not expected to disrupt KCNH5 protein function with a negative predictive value of 80%. In summary, the available evidence is currently insufficient to determine the role of this variant in disease. Therefore, it has been classified as a Variant of Uncertain Significance.